The following is an entry in ClinVar:

NM_012414.4(RAB3GAP2):c.*1527G>C

Gene: RAB3GAP2 (RAB3 GTPase activating non-catalytic protein subunit 2; minus strand). Cytogenetic location: 1q41.
Variant type: single nucleotide variant.
Coding change: c.*1527G>C on transcript NM_012414.4 (MANE Select); 1527 bases downstream of the stop codon, G replaced by C.
Molecular consequence: 3 prime UTR variant.
Genome position (GRCh38, 1-based): chr1:220,149,724, C>G on the plus strand (G>C on the coding strand, the complement: RAB3GAP2 is on the minus strand). VCF-style: chr1-220149724-C-G. GRCh37 (hg19) VCF-style: chr1-220323066-C-G.
Identifiers: ClinVar variation 875918 (VCV000875918.4), dbSNP rs185153185, ClinGen allele CA37536518.
Genomic context (GRCh38, chr1:220,149,724, plus strand): 5'-CCTTTCCAGTGCTGCTACTCTGTAAAATGTATGTCTCAATCAGACTCACAGGCCCCCATC[C>G]CAAATACTCAAGACATCTTAACCATTTATCTTGTAAGATTTCAAGTTTGATAGTTACTTA-3'

ClinVar aggregate classification (germline): Likely benign. Review status: criteria provided, single submitter (1 of 4 stars). 2 submissions from 1 submitter: Likely benign (2). Last evaluated 2018-01-13.

Conditions:
Martsolf syndrome (MARTS). Also called: Congenital cataract with intellectual disability and hypogonadotropic hypogonadism syndrome. Identifiers: Orphanet 1387, MedGen C0796037, MONDO:0023910.
Warburg micro syndrome 2 (WARBM2). Also called: MICRO SYNDROME 2. Identifiers: Orphanet 2510, MedGen C3280214, MONDO:0013641, OMIM 614225.

Allele frequency attached by ClinVar (database versions not stated): gnomAD 0.00243 and 0.00255; TOPMed 0.00283; 1000 Genomes Project 0.00300; 1000 Genomes Project 30x 0.00328.

Submissions (2):

Illumina Laboratory Services, Illumina
Classification: Likely benign for Martsolf syndrome 1. Last evaluated: 2018-01-13. Review status: criteria provided, single submitter. Criteria: ICSL Variant Classification Criteria 13 December 2019. Collection method: clinical testing. Allele origin: germline.
Comment: This variant was observed in the ICSL laboratory as part of a predisposition screen in an ostensibly healthy population. It had not been previously curated by ICSL or reported in the Human Gene Mutation Database (HGMD: prior to June 1st, 2018), and was therefore a candidate for classification through an automated scoring system. Utilizing variant allele frequency, disease prevalence and penetrance estimates, and inheritance mode, an automated score was calculated to assess if this variant is too frequent to cause the disease. Based on the score and internal cut-off values, a variant classified as likely benign is not then subjected to further curation. The score for this variant resulted in a classification of likely benign for this disease.

Illumina Laboratory Services, Illumina
Classification: Likely benign for Warburg micro syndrome 2. Last evaluated: 2018-01-13. Review status: criteria provided, single submitter. Criteria: ICSL Variant Classification Criteria 13 December 2019. Collection method: clinical testing. Allele origin: germline.
Comment: the same text as in the submission from Illumina Laboratory Services, Illumina above.